The following is an entry in ClinVar:

NM_198578.4(LRRK2):c.7067C>T (p.Thr2356Ile)

Gene: LRRK2 (leucine rich repeat kinase 2; plus strand). Cytogenetic location: 12q12.
Variant type: single nucleotide variant.
Coding change: c.7067C>T on transcript NM_198578.4 (MANE Select); coding-DNA position 7067, C replaced by T.
Protein change: p.Thr2356Ile; replaces threonine 2356 with isoleucine.
Molecular consequence: missense variant.
Genome position (GRCh38, 1-based): chr12:40,363,440, C>T. VCF-style: chr12-40363440-C-T. GRCh37 (hg19) VCF-style: chr12-40757242-C-T.
Other names: short protein forms T2356I.
Identifiers: ClinVar variation 39232 (VCV000039232.54), dbSNP rs113511708, ClinGen allele CA343673.

ClinVar aggregate classification (germline): Conflicting classifications of pathogenicity. Review status: criteria provided, conflicting classifications (1 of 4 stars). 5 submissions from 5 submitters: Uncertain significance (3); Likely benign (1). 1 of the submissions does not count toward it. Last evaluated 2026-01-27.

Conditions:
Autosomal dominant Parkinson disease 8. Also called: LRRK2-Related Parkinson Disease; Parkinson disease 8; Parkinson disease 8, susceptibility to. Identifiers: Orphanet 411602, MedGen C1846862, MONDO:0011764, OMIM 607060.

Allele frequency attached by ClinVar (database versions not stated): ESP Exome Variant Server 0.00008; gnomAD exomes 0.00016 and 0.00020; ExAC 0.00017; gnomAD 0.00025 and 0.00026; TOPMed 0.00034.
gnomAD v4.1: 332 of 1,611,766 alleles (0.021%); highest among the groups gnomAD compares: Admixed American, 0.033%; no homozygotes.

Submissions (5):

Labcorp Genetics (formerly Invitae), Labcorp
Classification: Uncertain significance for Autosomal dominant Parkinson disease 8. Last evaluated: 2026-01-27. Review status: criteria provided, single submitter. Criteria: Invitae Variant Classification Sherloc (09022015). Collection method: clinical testing. Allele origin: germline.
Comment: This sequence change replaces threonine, which is neutral and polar, with isoleucine, which is neutral and non-polar, at codon 2356 of the LRRK2 protein (p.Thr2356Ile). This variant is present in population databases (rs113511708, gnomAD 0.03%), and has an allele count higher than expected for a pathogenic variant. This missense change has been observed in individual(s) with Parkinson disease and in healthy individuals (PMID: 17419834, 17622782, 18973254, 21885347). ClinVar contains an entry for this variant (Variation ID: 39232). Invitae Evidence Modeling of protein sequence and biophysical properties (such as structural, functional, and spatial information, amino acid conservation, physicochemical variation, residue mobility, and thermodynamic stability) has been performed for this missense variant. However, the output from this modeling did not meet the statistical confidence thresholds required to predict the impact of this variant on LRRK2 protein function. Experimental studies have shown that this missense change does not substantially affect LRRK2 function (PMID: 17447891, 20642453, 35950872). In summary, the available evidence is currently insufficient to determine the role of this variant in disease. Therefore, it has been classified as a Variant of Uncertain Significance.

CeGaT Center for Human Genetics Tuebingen
Classification: Likely benign. Last evaluated: 2024-04-01. Review status: criteria provided, single submitter. Criteria: CeGaT Center For Human Genetics Tuebingen Variant Classification Criteria Version 2. Collection method: clinical testing. Allele origin: germline. Affected: yes. Observed: 2 variant alleles.
Comment: LRRK2: BP4

Mendelics
Classification: Uncertain significance for Autosomal dominant Parkinson disease 8. Last evaluated: 2019-05-28. Review status: criteria provided, single submitter. Criteria: Mendelics Assertion Criteria 2017. Collection method: clinical testing. Allele origin: unknown.

Centre for Mendelian Genomics, University Medical Centre Ljubljana
Classification: Uncertain significance for Autosomal dominant Parkinson disease 8. Last evaluated: 2016-01-01. Review status: criteria provided, single submitter. Criteria: ACMG Guidelines, 2015. Collection method: clinical testing. Allele origin: unknown. Affected: yes.
Comment: This variant was classified as: Uncertain significance.

GeneReviews
No classification provided. Condition: Autosomal dominant Parkinson disease 8. Review status: no classification provided. Collection method: literature only. Allele origin: unknown. Not counted in ClinVar's aggregate classification.

Literature cited by the submitters: PubMed 17419834 (cited by Labcorp Genetics (formerly Invitae), Labcorp); PubMed 17622782 (cited by Labcorp Genetics (formerly Invitae), Labcorp); PubMed 18973254 (cited by Labcorp Genetics (formerly Invitae), Labcorp); PubMed 21885347 (cited by Labcorp Genetics (formerly Invitae), Labcorp); PubMed 17447891 (cited by Labcorp Genetics (formerly Invitae), Labcorp); PubMed 20642453 (cited by Labcorp Genetics (formerly Invitae), Labcorp); PubMed 35950872 (cited by Labcorp Genetics (formerly Invitae), Labcorp); PubMed 20301387 (cited by GeneReviews); NCBI Bookshelf NBK1208 (cited by GeneReviews).